The following is an entry in ClinVar:

ClinVar aggregate classification (germline): Uncertain significance (1 of 4 stars; one submission).

gnomAD v4.1: 3 of 1,613,946 alleles (0.00019%); highest among the groups gnomAD compares: South Asian, 0.0011%; no homozygotes.

Submission:

Labcorp Genetics (formerly Invitae), Labcorp
Classification: Uncertain significance. Last evaluated: 2024-06-06. Review status: criteria provided, single submitter. Criteria: Invitae Variant Classification Sherloc (09022015). Collection method: clinical testing. Allele origin: germline.
Comment: This sequence change replaces arginine, which is basic and polar, with glutamine, which is neutral and polar, at codon 283 of the GHSR protein (p.Arg283Gln). This variant is not present in population databases (gnomAD no frequency). This variant has not been reported in the literature in individuals affected with GHSR-related conditions. Advanced modeling of protein sequence and biophysical properties (such as structural, functional, and spatial information, amino acid conservation, physicochemical variation, residue mobility, and thermodynamic stability) has been performed at Invitae for this missense variant, however the output from this modeling did not meet the statistical confidence thresholds required to predict the impact of this variant on GHSR protein function. In summary, the available evidence is currently insufficient to determine the role of this variant in disease. Therefore, it has been classified as a Variant of Uncertain Significance.

NM_198407.2(GHSR):c.848G>A (p.Arg283Gln)

Gene: GHSR (growth hormone secretagogue receptor; minus strand). Cytogenetic location: 3q26.31.
Variant type: single nucleotide variant.
Coding change: c.848G>A on transcript NM_198407.2 (MANE Select); coding-DNA position 848, G replaced by A.
Protein change: p.Arg283Gln; replaces arginine 283 with glutamine.
Molecular consequence: missense variant.
Genome position (GRCh38, 1-based): chr3:172,445,414, C>T on the plus strand (G>A on the coding strand, the complement: GHSR is on the minus strand). VCF-style: chr3-172445414-C-T. GRCh37 (hg19) VCF-style: chr3-172163204-C-T.
Other names: short protein forms R283Q.
Identifiers: ClinVar variation 3696509 (VCV003696509.2).